The following is an entry in ClinVar:

NM_183235.3(RAB27A):c.344G>A (p.Ser115Asn)

Gene: RAB27A (RAB27A, member RAS oncogene family; minus strand). Cytogenetic location: 15q21.3.
Variant type: single nucleotide variant.
Coding change: c.344G>A on transcript NM_183235.3 (MANE Select); coding-DNA position 344, G replaced by A.
Protein change: p.Ser115Asn; replaces serine 115 with asparagine.
Molecular consequence: missense variant.
Genome position (GRCh38, 1-based): chr15:55,224,012, C>T on the plus strand (G>A on the coding strand, the complement: RAB27A is on the minus strand). VCF-style: chr15-55224012-C-T. GRCh37 (hg19) VCF-style: chr15-55516210-C-T.
Other names: c.344G>A, p.Ser115Asn (NM_004580.5, NM_183234.3, NM_183236.3); short protein forms S115N.
Identifiers: ClinVar variation 1351492 (VCV001351492.5), dbSNP rs183582444, ClinGen allele CA270729457.

ClinVar aggregate classification (germline): Uncertain significance (1 of 4 stars; one submission).

Conditions:
Griscelli syndrome type 2 (GS2). Also called: GRISCELLI SYNDROME WITH HEMOPHAGOCYTIC SYNDROME; PAID SYNDROME; PARTIAL ALBINISM AND IMMUNODEFICIENCY SYNDROME. Identifiers: Orphanet 381, Orphanet 79477, MedGen C1868679, MONDO:0011872, OMIM 607624.

Allele frequency attached by ClinVar (database versions not stated): gnomAD 0.00003 and 0.00004; TOPMed 0.00010; 1000 Genomes Project 30x 0.00016; 1000 Genomes Project 0.00020.
gnomAD v4.1: 11 of 1,567,630 alleles (0.0007%); highest among the groups gnomAD compares: Admixed American, 0.012%; no homozygotes.

Submission:

Labcorp Genetics (formerly Invitae), Labcorp
Classification: Uncertain significance for Griscelli syndrome type 2. Last evaluated: 2022-07-13. Review status: criteria provided, single submitter. Criteria: Invitae Variant Classification Sherloc (09022015). Collection method: clinical testing. Allele origin: germline.
Comment: This sequence change replaces serine, which is neutral and polar, with asparagine, which is neutral and polar, at codon 115 of the RAB27A protein (p.Ser115Asn). This variant is not present in population databases (gnomAD no frequency). This variant has not been reported in the literature in individuals affected with RAB27A-related conditions. ClinVar contains an entry for this variant (Variation ID: 1351492). Algorithms developed to predict the effect of missense changes on protein structure and function are either unavailable or do not agree on the potential impact of this missense change (SIFT: "Deleterious"; PolyPhen-2: "Benign"; Align-GVGD: "Class C45"). Algorithms developed to predict the effect of sequence changes on RNA splicing suggest that this variant may disrupt the consensus splice site. In summary, the available evidence is currently insufficient to determine the role of this variant in disease. Therefore, it has been classified as a Variant of Uncertain Significance.